The following is an entry in ClinVar:

ClinVar aggregate classification (germline): Uncertain significance (1 of 4 stars; one submission).

Submission:

GeneDx
Classification: Uncertain significance. Last evaluated: 2024-10-21. Review status: criteria provided, single submitter. Criteria: GeneDx Variant Classification Process June 2021. Collection method: clinical testing. Allele origin: germline. Affected: yes.
Comment: Not observed at significant frequency in large population cohorts (gnomAD); In silico analysis indicates that this missense variant does not alter protein structure/function; Has not been previously published as pathogenic or benign to our knowledge

NM_002471.4(MYH6):c.991A>G (p.Met331Val)

Gene: MYH6 (myosin heavy chain 6; minus strand). Cytogenetic location: 14q11.2.
Variant type: single nucleotide variant.
Coding change: c.991A>G on transcript NM_002471.4 (MANE Select); coding-DNA position 991, A replaced by G.
Protein change: p.Met331Val; replaces methionine 331 with valine.
Molecular consequence: missense variant.
Genome position (GRCh38, 1-based): chr14:23,402,708, T>C on the plus strand (A>G on the coding strand, the complement: MYH6 is on the minus strand). VCF-style: chr14-23402708-T-C. GRCh37 (hg19) VCF-style: chr14-23871917-T-C.
Other names: short protein forms M331V.
Identifiers: ClinVar variation 3781311 (VCV003781311.1).